The following is an entry in ClinVar:

ClinVar aggregate classification (germline): Conflicting classifications of pathogenicity. Review status: criteria provided, conflicting classifications (1 of 4 stars). 2 submissions from 2 submitters: Uncertain significance (1); Likely benign (1). Last evaluated 2026-01-21.

Conditions:
Severe combined immunodeficiency due to DNA-PKcs deficiency. Also called: IMMUNODEFICIENCY 26 WITH NEUROLOGIC ABNORMALITIES; Immunodeficiency 26 with or without neurologic abnormalities. Identifiers: Orphanet 317425, MedGen C4014833, MONDO:0014423, OMIM 615966.

Allele frequency attached by ClinVar (database versions not stated): gnomAD 0.00011 and 0.00013; TOPMed 0.00012; ESP Exome Variant Server 0.00017.
gnomAD v4.1: 212 of 1,612,168 alleles (0.013%); highest among the groups gnomAD compares: Middle Eastern, 0.082%; no homozygotes.

Submissions (2):

Labcorp Genetics (formerly Invitae), Labcorp
Classification: Likely benign for Severe combined immunodeficiency due to DNA-PKcs deficiency. Last evaluated: 2026-01-21. Review status: criteria provided, single submitter. Criteria: Invitae Variant Classification Sherloc (09022015). Collection method: clinical testing. Allele origin: germline.

GeneDx
Classification: Uncertain significance. Last evaluated: 2023-09-30. Review status: criteria provided, single submitter. Criteria: GeneDx Variant Classification Process June 2021. Collection method: clinical testing. Allele origin: germline. Affected: yes.
Comment: Identified in a cohort of individuals with Crohn's disease, however segregation information was not provided (Gettler et al., 2021); In silico analysis supports that this missense variant does not alter protein structure/function; This variant is associated with the following publications: (PMID: 33359885)

NM_006904.7(PRKDC):c.871G>A (p.Val291Met)

Gene: PRKDC (protein kinase, DNA-activated, catalytic subunit; minus strand). Cytogenetic location: 8q11.21.
Variant type: single nucleotide variant.
Coding change: c.871G>A on transcript NM_006904.7 (MANE Select); coding-DNA position 871, G replaced by A.
Protein change: p.Val291Met; replaces valine 291 with methionine.
Molecular consequence: missense variant.
Genome position (GRCh38, 1-based): chr8:47,943,304, C>T on the plus strand (G>A on the coding strand, the complement: PRKDC is on the minus strand). VCF-style: chr8-47943304-C-T. GRCh37 (hg19) VCF-style: chr8-48855864-C-T.
Other names: c.871G>A, p.Val291Met (NM_001081640.2); short protein forms V291M.
Identifiers: ClinVar variation 542018 (VCV000542018.12), dbSNP rs372117480, ClinGen allele CA4741894.